The following is an entry in ClinVar:

ClinVar aggregate classification (germline): Likely benign. Review status: criteria provided, multiple submitters, no conflicts (2 of 4 stars). 4 submissions from 4 submitters: Likely benign (4). Last evaluated 2026-01-18.

Conditions:
LMNB2-related disorder. Also called: LMNB2-related condition.
Progressive myoclonic epilepsy type 9. Identifiers: Orphanet 457265, MedGen C4225289, MONDO:0014685, OMIM 616540.
Lipodystrophy, partial, acquired, susceptibility to (APLD). Also called: APLD, SUSCEPTIBILITY TO. Identifiers: MedGen C3887501, MONDO:0100476, OMIM 608709.

Allele frequency attached by ClinVar (database versions not stated): 1000 Genomes Project 0.00020; gnomAD 0.00029; 1000 Genomes Project 30x 0.00031; TOPMed 0.00036; ESP Exome Variant Server 0.00046.
gnomAD v4.1: 619 of 1,611,170 alleles (0.038%); highest among the groups gnomAD compares: Non-Finnish European, 0.049%; 1 homozygote.

Submissions (4):

Labcorp Genetics (formerly Invitae), Labcorp
Classification: Likely benign for Progressive myoclonic epilepsy type 9; Lipodystrophy, partial, acquired, susceptibility to. Last evaluated: 2026-01-18. Review status: criteria provided, single submitter. Criteria: Invitae Variant Classification Sherloc (09022015). Collection method: clinical testing. Allele origin: germline.

PreventionGenetics, part of Exact Sciences
Classification: Likely benign for LMNB2-related condition. Last evaluated: 2025-12-10. Review status: criteria provided, single submitter. Criteria: ACMG Guidelines, 2015. Collection method: clinical testing. Allele origin: germline.
Comment: This variant is classified as likely benign based on ACMG/AMP sequence variant interpretation guidelines (Richards et al. 2015 PMID: 25741868, with internal and published modifications).

CeGaT Center for Human Genetics Tuebingen
Classification: Likely benign. Last evaluated: 2025-02-01. Review status: criteria provided, single submitter. Criteria: CeGaT Center For Human Genetics Tuebingen Variant Classification Criteria Version 2. Collection method: clinical testing. Allele origin: germline. Affected: yes. Observed: 2 variant alleles.
Comment: LMNB2: BP4

Blueprint Genetics
Classification: Likely benign. Last evaluated: 2024-11-23. Review status: criteria provided, single submitter. Criteria: ACMG Guidelines, 2015. Collection method: clinical testing. Allele origin: germline.

NM_032737.4(LMNB2):c.982-4G>A

Gene: LMNB2 (lamin B2; minus strand). Cytogenetic location: 19p13.3.
Variant type: single nucleotide variant.
Coding change: c.982-4G>A on transcript NM_032737.4 (MANE Select); 4 bases into the intron before coding-DNA position 982, G replaced by A.
Molecular consequence: intron variant.
Genome position (GRCh38, 1-based): chr19:2,434,519, C>T on the plus strand (G>A on the coding strand, the complement: LMNB2 is on the minus strand). VCF-style: chr19-2434519-C-T. GRCh37 (hg19) VCF-style: chr19-2434517-C-T.
Identifiers: ClinVar variation 542439 (VCV000542439.36), dbSNP rs370025312, ClinGen allele CA9067630.